The following is an entry in ClinVar:

NM_152564.5(VPS13B):c.11894_11895dup (p.Lys3966fs)

Gene: VPS13B (vacuolar protein sorting 13 homolog B; plus strand). Cytogenetic location: 8q22.2.
Variant type: Duplication.
Coding change: c.11894_11895dup on transcript NM_152564.5 (MANE Select); coding-DNA positions 11894 to 11895, 2 bases duplicated (TT; older notation c.11894_11895dupTT).
Protein change: p.Lys3966fs; shifts the reading frame from lysine 3966.
Molecular consequence: frameshift variant.
Genome position (GRCh38, 1-based): chr8:99,875,566-99,875,567, TT duplicated. VCF-style (leftmost placement, unchanged base first): chr8-99875565-G-GTT. GRCh37 (hg19) VCF-style: chr8-100887793-G-GTT.
Other names: c.11969_11970dup, p.Lys3991fs (NM_017890.5); short protein forms K3991fs, K3966fs.
Identifiers: ClinVar variation 2086385 (VCV002086385.4), dbSNP rs2492412154, ClinGen allele CA2580079168.

ClinVar aggregate classification (germline): Pathogenic (1 of 4 stars; one submission).

Conditions:
Cohen syndrome (COH1). Also called: PEPPER SYNDROME; Cutis verticis gyrata, retinitis pigmentosa, and sensorineural deafness. Identifiers: Orphanet 193, MedGen C0265223, MONDO:0008999, OMIM 216550.

Submission:

Labcorp Genetics (formerly Invitae), Labcorp
Classification: Pathogenic for Cohen syndrome. Last evaluated: 2024-04-18. Review status: criteria provided, single submitter. Criteria: Invitae Variant Classification Sherloc (09022015). Collection method: clinical testing. Allele origin: germline.
Comment: This sequence change creates a premature translational stop signal (p.Lys3991Leufs*23) in the VPS13B gene. While this is not anticipated to result in nonsense mediated decay, it is expected to disrupt the last 32 amino acid(s) of the VPS13B protein. This variant is not present in population databases (gnomAD no frequency). This premature translational stop signal has been observed in individual(s) with clinical features of Cohen syndrome (Invitae). In at least one individual the data is consistent with being in trans (on the opposite chromosome) from a pathogenic variant. ClinVar contains an entry for this variant (Variation ID: 2086385). For these reasons, this variant has been classified as Pathogenic.